The following is an entry in ClinVar:

ClinVar aggregate classification (germline): Uncertain significance (1 of 4 stars; one submission).

Conditions:
Hereditary cancer-predisposing syndrome. Also called: Neoplastic Syndromes, Hereditary; Tumor predisposition; Hereditary neoplastic syndrome; Hereditary Cancer Syndrome. Identifiers: Orphanet 140162, MedGen C0027672, MeSH D009386, MONDO:0015356.

Submission:

Ambry Genetics
Classification: Uncertain significance for Hereditary cancer-predisposing syndrome. Last evaluated: 2026-07-07. Review status: criteria provided, single submitter. Criteria: Ambry Variant Classification Scheme 2023. Collection method: clinical testing. Allele origin: germline.
Comment: The p.P544H variant (also known as c.1631C>A), located in coding exon 5 of the AXIN2 gene, results from a C to A substitution at nucleotide position 1631. The proline at codon 544 is replaced by histidine, an amino acid with similar properties. This amino acid position is conserved. In addition, this alteration is predicted to be tolerated by in silico analysis. Based on the available evidence, the clinical significance of this variant remains unclear.

NM_004655.4(AXIN2):c.1631C>A (p.Pro544His)

Gene: AXIN2 (axin 2; minus strand). Cytogenetic location: 17q24.1.
Variant type: single nucleotide variant.
Coding change: c.1631C>A on transcript NM_004655.4 (MANE Select); coding-DNA position 1631, C replaced by A.
Protein change: p.Pro544His; replaces proline 544 with histidine.
Molecular consequence: missense variant.
Genome position (GRCh38, 1-based): chr17:65,537,405, G>T on the plus strand (C>A on the coding strand, the complement: AXIN2 is on the minus strand). VCF-style: chr17-65537405-G-T. GRCh37 (hg19) VCF-style: chr17-63533523-G-T.
Other names: c.1631C>A, p.Pro544His (NM_001363813.1); short protein forms P544H.
Identifiers: ClinVar variation 5032602 (VCV005032602.1).